The following is an entry in ClinVar:

NM_004385.5(VCAN):c.4568C>T (p.Thr1523Ile)

Genes: VCAN (versican; plus strand), VCAN-AS1 (VCAN antisense RNA 1; minus strand). Cytogenetic location: 5q14.3.
Variant type: single nucleotide variant.
Coding change: c.4568C>T on transcript NM_004385.5 (MANE Select); coding-DNA position 4568, C replaced by T.
Protein change: p.Thr1523Ile; replaces threonine 1523 with isoleucine.
Molecular consequence: missense variant. On other transcripts: intron variant (2).
Genome position (GRCh38, 1-based): chr5:83,537,571, C>T. VCF-style: chr5-83537571-C-T. GRCh37 (hg19) VCF-style: chr5-82833390-C-T.
Other names: c.1607C>T, p.Thr536Ile (NM_001164097.2); c.4004-7966C>T (NM_001164098.2); c.1043-7966C>T (NM_001126336.3); short protein forms T1523I, T536I.
Identifiers: ClinVar variation 956116 (VCV000956116.9), dbSNP rs1746773017, ClinGen allele CA360308539.

ClinVar aggregate classification (germline): Uncertain significance (1 of 4 stars; one submission).

gnomAD v4.1: 1 of 1,613,746 alleles (0.000062%); highest among the groups gnomAD compares: Non-Finnish European, 0.000085%; no homozygotes.

Submission:

Labcorp Genetics (formerly Invitae), Labcorp
Classification: Uncertain significance. Last evaluated: 2022-08-09. Review status: criteria provided, single submitter. Criteria: Invitae Variant Classification Sherloc (09022015). Collection method: clinical testing. Allele origin: germline.
Comment: This sequence change replaces threonine, which is neutral and polar, with isoleucine, which is neutral and non-polar, at codon 1523 of the VCAN protein (p.Thr1523Ile). This variant is not present in population databases (gnomAD no frequency). This variant has not been reported in the literature in individuals affected with VCAN-related conditions. ClinVar contains an entry for this variant (Variation ID: 956116). Algorithms developed to predict the effect of missense changes on protein structure and function output the following: SIFT: "Deleterious"; PolyPhen-2: "Possibly Damaging"; Align-GVGD: "Class C25". The isoleucine amino acid residue is found in multiple mammalian species, which suggests that this missense change does not adversely affect protein function. In summary, the available evidence is currently insufficient to determine the role of this variant in disease. Therefore, it has been classified as a Variant of Uncertain Significance.